The following is an entry in ClinVar:

NM_000384.3(APOB):c.4007A>G (p.Gln1336Arg)

Gene: APOB (apolipoprotein B; minus strand). Cytogenetic location: 2p24.1.
Variant type: single nucleotide variant.
Coding change: c.4007A>G on transcript NM_000384.3 (MANE Select); coding-DNA position 4007, A replaced by G.
Protein change: p.Gln1336Arg; replaces glutamine 1336 with arginine.
Molecular consequence: missense variant.
Genome position (GRCh38, 1-based): chr2:21,013,369, T>C on the plus strand (A>G on the coding strand, the complement: APOB is on the minus strand). VCF-style: chr2-21013369-T-C. GRCh37 (hg19) VCF-style: chr2-21236241-T-C.
Other names: c.4007A>G (NM_000384.2); short protein forms Q1336R.
Identifiers: ClinVar variation 2954264 (VCV002954264.4), dbSNP rs1194204116, ClinGen allele CA346007810.

ClinVar aggregate classification (germline): Conflicting classifications of pathogenicity. Review status: criteria provided, conflicting classifications (1 of 4 stars). 2 submissions from 2 submitters: Uncertain significance (1); Likely benign (1). Last evaluated 2025-12-26.

Conditions:
Hypercholesterolemia, autosomal dominant, type B (FHCL2). Also called: APOB-Related Familial Hypercholesterolemia, Autosomal Dominant; Familial Hypercholesterolemia Type B; APOLIPOPROTEIN B-100, FAMILIAL DEFECTIVE; APOLIPOPROTEIN B-100, FAMILIAL LIGAND-DEFECTIVE; HYPERCHOLESTEROLEMIA, FAMILIAL, DUE TO LIGAND-DEFECTIVE APOLIPOPROTEIN B; Hyperlipoproteinemia Type IIb. Identifiers: MedGen C1704417, MONDO:0007751, OMIM 144010.
Familial hypobetalipoproteinemia 1. Also called: Hypobetalipoproteinemia, normotriglyceridemic; Acanthocytosis with hypobetalipoproteinemia; APOB-Related Familial Hypobetalipoproteinemia. Identifiers: MedGen C4551990, MONDO:0014252, OMIM 615558.
Cardiovascular phenotype. Identifiers: MedGen CN230736.

Allele frequency attached by ClinVar (database versions not stated): gnomAD 0.00001.
gnomAD v4.1: 1 of 1,614,074 alleles (0.000062%); highest among the groups gnomAD compares: Admixed American, 0.0017%; no homozygotes.

Submissions (2):

Ambry Genetics
Classification: Uncertain significance for Cardiovascular phenotype. Last evaluated: 2025-12-26. Review status: criteria provided, single submitter. Criteria: Ambry Variant Classification Scheme 2023. Collection method: clinical testing. Allele origin: germline.
Comment: The p.Q1336R variant (also known as c.4007A>G), located in coding exon 25 of the APOB gene, results from an A to G substitution at nucleotide position 4007. The glutamine at codon 1336 is replaced by arginine, an amino acid with highly similar properties. This amino acid position is conserved. In addition, this alteration is predicted to be tolerated by in silico analysis. Based on the available evidence, the clinical significance of this variant remains unclear.

Labcorp Genetics (formerly Invitae), Labcorp
Classification: Likely benign for Familial hypobetalipoproteinemia 1; Hypercholesterolemia, autosomal dominant, type B. Last evaluated: 2024-09-05. Review status: criteria provided, single submitter. Criteria: Invitae Variant Classification Sherloc (09022015). Collection method: clinical testing. Allele origin: germline.